The following is an entry in ClinVar:

NM_001349253.2(SCN11A):c.48C>T (p.Phe16=)

Gene: SCN11A (sodium voltage-gated channel alpha subunit 11; minus strand). Cytogenetic location: 3p22.2.
Variant type: single nucleotide variant.
Coding change: c.48C>T on transcript NM_001349253.2 (MANE Select); coding-DNA position 48, C replaced by T.
Protein change: p.Phe16=; no amino-acid change (phenylalanine 16 retained).
Molecular consequence: synonymous variant.
Genome position (GRCh38, 1-based): chr3:38,950,315, G>A on the plus strand (C>T on the coding strand, the complement: SCN11A is on the minus strand). VCF-style: chr3-38950315-G-A. GRCh37 (hg19) VCF-style: chr3-38991806-G-A.
Other names: p.Phe16=; c.48C>T, p.Phe16= (NM_014139.3).
Identifiers: ClinVar variation 541599 (VCV000541599.15), dbSNP rs201111033, ClinGen allele CA2322792.

ClinVar aggregate classification (germline): Benign/Likely benign. Review status: criteria provided, multiple submitters, no conflicts (2 of 4 stars). 4 submissions from 4 submitters: Benign (2); Likely benign (1). 1 of the submissions does not count toward it. Last evaluated 2025-12-08.

Conditions:
Inborn genetic diseases. Identifiers: MedGen C0950123, MeSH D030342.
SCN11A-related disorder. Also called: SCN11A-related condition.
Hereditary sensory and autonomic neuropathy type 7. Also called: Neuropathy, hereditary sensory and autonomic, type VII; HSAN VII. Identifiers: Orphanet 391397, MedGen C3809882, MONDO:0014244, OMIM 615548.
Familial episodic pain syndrome with predominantly lower limb involvement. Also called: Episodic pain syndrome, familial, 3. Identifiers: Orphanet 391384, Orphanet 391392, MedGen C3809899, MONDO:0014247, OMIM 615552.

Allele frequency attached by ClinVar (database versions not stated): gnomAD exomes 0.00031; 1000 Genomes Project 30x 0.00094; gnomAD 0.00012 and 0.00019; TOPMed 0.00013; ExAC 0.00030; 1000 Genomes Project 0.00120.

Submissions (4):

Labcorp Genetics (formerly Invitae), Labcorp
Classification: Benign for Familial episodic pain syndrome with predominantly lower limb involvement; Hereditary sensory and autonomic neuropathy type 7. Last evaluated: 2025-12-08. Review status: criteria provided, single submitter. Criteria: Invitae Variant Classification Sherloc (09022015). Collection method: clinical testing. Allele origin: germline.

Mayo Clinic Laboratories, Mayo Clinic
Classification: Benign. Last evaluated: 2025-06-27. Review status: criteria provided, single submitter. Criteria: ACMG Guidelines, 2015. Collection method: clinical testing. Allele origin: germline. Observed: 1 variant allele.
Comment: BS1, BS2, BP4, BP7

Ambry Genetics
Classification: Likely benign for Inborn genetic diseases. Last evaluated: 2019-07-11. Review status: criteria provided, single submitter. Criteria: Ambry Variant Classification Scheme 2023. Collection method: clinical testing. Allele origin: germline.

PreventionGenetics, part of Exact Sciences
Classification: Likely benign for SCN11A-related condition. Last evaluated: 2019-02-26. Review status: no assertion criteria provided. Collection method: clinical testing. Allele origin: germline. Not counted in ClinVar's aggregate classification.
Comment: This variant is classified as likely benign based on ACMG/AMP sequence variant interpretation guidelines (Richards et al. 2015 PMID: 25741868, with internal and published modifications).